The following is an entry in ClinVar:

ClinVar aggregate classification (germline): Uncertain significance (1 of 4 stars; one submission).

Conditions:
Hyperekplexia 2 (HKPX2). Identifiers: Orphanet 3197, MedGen C3553291, MONDO:0013828, OMIM 614619.

Allele frequency attached by ClinVar (database versions not stated): gnomAD exomes below 0.00001; TOPMed 0.00001.
gnomAD v4.1: 3 of 1,534,396 alleles (0.0002%); highest among the groups gnomAD compares: Non-Finnish European, 0.00027%; no homozygotes.

Submission:

Labcorp Genetics (formerly Invitae), Labcorp
Classification: Uncertain significance for Hyperekplexia 2. Last evaluated: 2022-02-03. Review status: criteria provided, single submitter. Criteria: Invitae Variant Classification Sherloc (09022015). Collection method: clinical testing. Allele origin: germline.
Comment: In summary, the available evidence is currently insufficient to determine the role of this variant in disease. Therefore, it has been classified as a Variant of Uncertain Significance. Algorithms developed to predict the effect of missense changes on protein structure and function are either unavailable or do not agree on the potential impact of this missense change (SIFT: "Tolerated"; PolyPhen-2: "Possibly Damaging"; Align-GVGD: "Class C0"). This variant has not been reported in the literature in individuals affected with GLRB-related conditions. This variant is not present in population databases (gnomAD no frequency). This sequence change replaces threonine, which is neutral and polar, with isoleucine, which is neutral and non-polar, at codon 207 of the GLRB protein (p.Thr207Ile).

NM_000824.5(GLRB):c.620C>T (p.Thr207Ile)

Gene: GLRB (glycine receptor beta; plus strand). Cytogenetic location: 4q32.1.
Variant type: single nucleotide variant.
Coding change: c.620C>T on transcript NM_000824.5 (MANE Select); coding-DNA position 620, C replaced by T.
Protein change: p.Thr207Ile; replaces threonine 207 with isoleucine.
Molecular consequence: missense variant.
Genome position (GRCh38, 1-based): chr4:157,138,818, C>T. VCF-style: chr4-157138818-C-T. GRCh37 (hg19) VCF-style: chr4-158059970-C-T.
Other names: c.620C>T, p.Thr207Ile (NM_001166060.2, NM_001166061.2); short protein forms T207I.
Identifiers: ClinVar variation 2159903 (VCV002159903.2), dbSNP rs1736504074, ClinGen allele CA358643243.